The following is an entry in ClinVar:

ClinVar aggregate classification (germline): Uncertain significance (1 of 4 stars; one submission).

Submission:

Labcorp Genetics (formerly Invitae), Labcorp
Classification: Uncertain significance. Last evaluated: 2021-08-29. Review status: criteria provided, single submitter. Criteria: Invitae Variant Classification Sherloc (09022015). Collection method: clinical testing. Allele origin: germline.
Comment: This sequence change replaces valine with methionine at codon 3106 of the CPLANE1 protein (p.Val3106Met). The valine residue is moderately conserved and there is a small physicochemical difference between valine and methionine. This variant is not present in population databases (ExAC no frequency). This variant has not been reported in the literature in individuals affected with CPLANE1-related conditions. Advanced modeling of protein sequence and biophysical properties (such as structural, functional, and spatial information, amino acid conservation, physicochemical variation, residue mobility, and thermodynamic stability) performed at Invitae indicates that this missense variant is not expected to disrupt CPLANE1 protein function. In summary, the available evidence is currently insufficient to determine the role of this variant in disease. Therefore, it has been classified as a Variant of Uncertain Significance.

NM_001384732.1(CPLANE1):c.9478G>A (p.Val3160Met)

Gene: CPLANE1 (ciliogenesis and planar polarity effector complex subunit 1; minus strand). Cytogenetic location: 5p13.2.
Variant type: single nucleotide variant.
Coding change: c.9478G>A on transcript NM_001384732.1 (MANE Select); coding-DNA position 9478, G replaced by A.
Protein change: p.Val3160Met; replaces valine 3160 with methionine.
Molecular consequence: missense variant.
Genome position (GRCh38, 1-based): chr5:37,108,394, C>T on the plus strand (G>A on the coding strand, the complement: CPLANE1 is on the minus strand). VCF-style: chr5-37108394-C-T. GRCh37 (hg19) VCF-style: chr5-37108496-C-T.
Other names: c.9316G>A, p.Val3106Met (NM_023073.4); short protein forms V3106M, V3160M.
Identifiers: ClinVar variation 1378454 (VCV001378454.6), dbSNP rs1758149015, ClinGen allele CA359489972.
Genomic context (GRCh38, chr5:37,108,394, plus strand): 5'-TTTCTGAAGGTATCGTCCAGGGACTCACCACAGTCTCCTCTCTTTCATACTCTACACACA[C>T]CTGCTTGGTTTGAGGTGCAAGCCCAGCACTTCCATGTTTTTTTGTATGCTGCAGACTATG-3'
Protein context (NP_001371661.1, residues 3150-3170): SAGLAPQTKQ[Val3160Met]CVEYEREETV